The following is an entry in ClinVar:

NM_021155.4(CD209):c.522T>C (p.Thr174=)

Gene: CD209 (CD209 molecule; minus strand). Cytogenetic location: 19p13.2.
Variant type: single nucleotide variant.
Coding change: c.522T>C on transcript NM_021155.4 (MANE Select); coding-DNA position 522, T replaced by C.
Protein change: p.Thr174=; no amino-acid change (threonine 174 retained).
Molecular consequence: synonymous variant. On other transcripts: non-coding transcript variant (1), intron variant (3).
Genome position (GRCh38, 1-based): chr19:7,745,744, A>G on the plus strand (T>C on the coding strand, the complement: CD209 is on the minus strand). VCF-style: chr19-7745744-A-G. GRCh37 (hg19) VCF-style: chr19-7810630-A-G.
Other names: c.390T>C, p.Thr130= (NM_001144894.2); c.450T>C, p.Thr150= (NM_001144896.2); c.522T>C, p.Thr174= (NM_001144897.2); c.340+50T>C (NM_001144893.2); c.265+257T>C (NM_001144899.2); c.472+50T>C (NM_001144895.2).
Identifiers: ClinVar variation 2649177 (VCV002649177.24), dbSNP rs551425556, ClinGen allele CA304900772.

ClinVar aggregate classification (germline): Likely benign (1 of 4 stars; one submission).

Allele frequency attached by ClinVar (database versions not stated): gnomAD exomes 0.00001; gnomAD 0.00005; 1000 Genomes Project 30x 0.00031; 1000 Genomes Project 0.00080.

Submission:

CeGaT Center for Human Genetics Tuebingen
Classification: Likely benign. Last evaluated: 2023-03-01. Review status: criteria provided, single submitter. Criteria: CeGaT Center For Human Genetics Tuebingen Variant Classification Criteria Version 2. Collection method: clinical testing. Allele origin: germline. Affected: yes. Observed: 1 variant allele.
Comment: CD209: BP4, BP7